The following is an entry in ClinVar:

ClinVar aggregate classification (germline): Uncertain significance. Review status: criteria provided, multiple submitters, no conflicts (2 of 4 stars). 2 submissions from 2 submitters: Uncertain significance (2). Last evaluated 2025-06-18.

Allele frequency attached by ClinVar (database versions not stated): ExAC 0.00001; gnomAD exomes 0.00001; TOPMed 0.00002; gnomAD 0.00003.
gnomAD v4.1: 21 of 1,567,174 alleles (0.0013%); highest among the groups gnomAD compares: South Asian, 0.0036%; no homozygotes.

Submissions (2):

Ambry Genetics
Classification: Uncertain significance. Last evaluated: 2025-06-18. Review status: criteria provided, single submitter. Criteria: Ambry Variant Classification Scheme 2023. Collection method: clinical testing. Allele origin: germline.

Labcorp Genetics (formerly Invitae), Labcorp
Classification: Uncertain significance. Last evaluated: 2021-07-28. Review status: criteria provided, single submitter. Criteria: Invitae Variant Classification Sherloc (09022015). Collection method: clinical testing. Allele origin: germline.
Comment: This variant has not been reported in the literature in individuals affected with ASB10-related conditions. This variant is present in population databases (rs777336890, ExAC 0.002%). This sequence change replaces phenylalanine with leucine at codon 416 of the ASB10 protein (p.Phe416Leu). The phenylalanine residue is highly conserved and there is a small physicochemical difference between phenylalanine and leucine. Algorithms developed to predict the effect of missense changes on protein structure and function output the following: SIFT: "Deleterious"; PolyPhen-2: "Benign"; Align-GVGD: "Class C0". The leucine amino acid residue is found in multiple mammalian species, which suggests that this missense change does not adversely affect protein function. In summary, the available evidence is currently insufficient to determine the role of this variant in disease. Therefore, it has been classified as a Variant of Uncertain Significance.

NM_001142459.2(ASB10):c.1246T>C (p.Phe416Leu)

Gene: ASB10 (ankyrin repeat and SOCS box containing 10; minus strand). Cytogenetic location: 7q36.1.
Variant type: single nucleotide variant.
Coding change: c.1246T>C on transcript NM_001142459.2 (MANE Select); coding-DNA position 1246, T replaced by C.
Protein change: p.Phe416Leu; replaces phenylalanine 416 with leucine.
Molecular consequence: missense variant.
Genome position (GRCh38, 1-based): chr7:151,176,270, A>G on the plus strand (T>C on the coding strand, the complement: ASB10 is on the minus strand). VCF-style: chr7-151176270-A-G. GRCh37 (hg19) VCF-style: chr7-150873357-A-G.
Other names: c.1132T>C, p.Phe378Leu (NM_001142460.1); c.1201T>C, p.Phe401Leu (NM_080871.4); c.1246T>C (NM_001142459.1); short protein forms F401L, F378L, F416L.
Identifiers: ClinVar variation 1357422 (VCV001357422.7), dbSNP rs777336890, ClinGen allele CA4573637.